The following is an entry in ClinVar:

NM_152722.5(HEPACAM):c.975G>A (p.Pro325=)

Gene: HEPACAM (hepatic and glial cell adhesion molecule; minus strand). Cytogenetic location: 11q24.2.
Variant type: single nucleotide variant.
Coding change: c.975G>A on transcript NM_152722.5 (MANE Select); coding-DNA position 975, G replaced by A.
Protein change: p.Pro325=; no amino-acid change (proline 325 retained).
Molecular consequence: synonymous variant.
Genome position (GRCh38, 1-based): chr11:124,921,414, C>T on the plus strand (G>A on the coding strand, the complement: HEPACAM is on the minus strand). VCF-style: chr11-124921414-C-T. GRCh37 (hg19) VCF-style: chr11-124791310-C-T.
Other names: p.Pro325=.
Identifiers: ClinVar variation 877517 (VCV000877517.17), dbSNP rs116536622, ClinGen allele CA6345553.

ClinVar aggregate classification (germline): Benign/Likely benign. Review status: criteria provided, multiple submitters, no conflicts (2 of 4 stars). 5 submissions from 5 submitters: Benign (3); Likely benign (2). Last evaluated 2026-01-28.

Conditions:
Megalencephalic leukoencephalopathy with subcortical cysts. Also called: VAN DER KNAAP DISEASE. Identifiers: Orphanet 2478, MedGen C1858854, MONDO:0011391.

Allele frequency attached by ClinVar (database versions not stated): gnomAD exomes 0.00069 and 0.00087; ESP Exome Variant Server 0.00511; gnomAD 0.00777 and 0.00836; TOPMed 0.00864; 1000 Genomes Project 0.00899; 1000 Genomes Project 30x 0.00999; ExAC 0.01792.

Submissions (5):

Labcorp Genetics (formerly Invitae), Labcorp
Classification: Benign. Last evaluated: 2026-01-28. Review status: criteria provided, single submitter. Criteria: Invitae Variant Classification Sherloc (09022015). Collection method: clinical testing. Allele origin: germline.

Mayo Clinic Laboratories, Mayo Clinic
Classification: Benign. Last evaluated: 2024-02-02. Review status: criteria provided, single submitter. Criteria: ACMG Guidelines, 2015. Collection method: clinical testing. Allele origin: germline. Observed: 5 variant alleles.
Comment: BS1, BS2, BP4, BP7

GeneDx
Classification: Likely benign. Last evaluated: 2021-11-04. Review status: criteria provided, single submitter. Criteria: GeneDx Variant Classification Process June 2021. Collection method: clinical testing. Allele origin: germline. Affected: yes.

Illumina Laboratory Services, Illumina
Classification: Benign for Megalencephalic leukoencephalopathy with subcortical cysts. Last evaluated: 2018-01-12. Review status: criteria provided, single submitter. Criteria: ICSL Variant Classification Criteria 13 December 2019. Collection method: clinical testing. Allele origin: germline.
Comment: This variant was observed in the ICSL laboratory as part of a predisposition screen in an ostensibly healthy population. It had not been previously curated by ICSL or reported in the Human Gene Mutation Database (HGMD: prior to June 1st, 2018), and was therefore a candidate for classification through an automated scoring system. Utilizing variant allele frequency, disease prevalence and penetrance estimates, and inheritance mode, an automated score was calculated to assess if this variant is too frequent to cause the disease. Based on the score and internal cut-off values, a variant classified as benign is not then subjected to further curation. The score for this variant resulted in a classification of benign for this disease.

Breakthrough Genomics
Classification: Likely benign. Review status: criteria provided, single submitter. Criteria: ACMG Guidelines, 2015. Collection method: not provided. Allele origin: germline. Inheritance: Autosomal recessive inheritance. Affected: yes.